The following is an entry in ClinVar:

NM_022114.4(PRDM16):c.3743C>A (p.Thr1248Asn)

Gene: PRDM16 (PR/SET domain 16; plus strand). Cytogenetic location: 1p36.32.
Variant type: single nucleotide variant.
Coding change: c.3743C>A on transcript NM_022114.4 (MANE Select); coding-DNA position 3743, C replaced by A.
Protein change: p.Thr1248Asn; replaces threonine 1248 with asparagine.
Molecular consequence: missense variant. On other transcripts: intron variant (1).
Genome position (GRCh38, 1-based): chr1:3,433,723, C>A. VCF-style: chr1-3433723-C-A. GRCh37 (hg19) VCF-style: chr1-3350287-C-A.
Other names: c.3697-11C>A (NM_199454.3); short protein forms T1248N.
Identifiers: ClinVar variation 1010917 (VCV001010917.9), dbSNP rs759077270, ClinGen allele CA544973.
Genomic context (GRCh38, chr1:3,433,723, plus strand): 5'-CCCCTCCCCGCCAGGCATATGCAATGATGCTGTCCCTTTCCGAAGACACTCCTCTCCACA[C>A]CCCCTCCCAGGGTTCTCTGGACGCTTGGTTGAAGGTCACTGGAGCCACGTCGGAGTCTGG-3'
Protein context (NP_071397.3, residues 1238-1258): LSLSEDTPLH[Thr1248Asn]PSQGSLDAWL

ClinVar aggregate classification (germline): Uncertain significance (1 of 4 stars; one submission).

Conditions:
Left ventricular noncompaction 8 (LVNC8). Identifiers: Orphanet 154, Orphanet 54260, MedGen C3809288, MONDO:0014152, OMIM 615373.

Allele frequency attached by ClinVar (database versions not stated): gnomAD exomes below 0.00001; ExAC 0.00001.
gnomAD v4.1: 2 of 1,613,904 alleles (0.00012%); highest among the groups gnomAD compares: Non-Finnish European, 0.00017%; no homozygotes.

Submission:

Labcorp Genetics (formerly Invitae), Labcorp
Classification: Uncertain significance for Left ventricular noncompaction 8. Last evaluated: 2020-02-19. Review status: criteria provided, single submitter. Criteria: Invitae Variant Classification Sherloc (09022015). Collection method: clinical testing. Allele origin: germline.
Comment: This sequence change replaces threonine with asparagine at codon 1248 of the PRDM16 protein (p.Thr1248Asn). The threonine residue is moderately conserved and there is a small physicochemical difference between threonine and asparagine. This variant is present in population databases (rs759077270, ExAC 0.002%). This variant has not been reported in the literature in individuals with PRDM16-related conditions. Algorithms developed to predict the effect of missense changes on protein structure and function are either unavailable or do not agree on the potential impact of this missense change (SIFT: "Deleterious"; PolyPhen-2: "Benign"; Align-GVGD: "Class C0"). In summary, the available evidence is currently insufficient to determine the role of this variant in disease. Therefore, it has been classified as a Variant of Uncertain Significance.